The following is an entry in ClinVar:

ClinVar aggregate classification (germline): Uncertain significance (1 of 4 stars; one submission).

Conditions:
Hereditary cancer-predisposing syndrome. Also called: Hereditary Cancer Syndrome; Hereditary neoplastic syndrome; Neoplastic Syndromes, Hereditary; Tumor predisposition. Identifiers: Orphanet 140162, MedGen C0027672, MeSH D009386, MONDO:0015356.

Submission:

Ambry Genetics
Classification: Uncertain significance for Hereditary cancer-predisposing syndrome. Last evaluated: 2022-01-19. Review status: criteria provided, single submitter. Criteria: Ambry Variant Classification Scheme 2023. Collection method: clinical testing. Allele origin: germline.
Comment: The p.R2055I variant (also known as c.6164G>T), located in coding exon 15 of the APC gene, results from a G to T substitution at nucleotide position 6164. The arginine at codon 2055 is replaced by isoleucine, an amino acid with similar properties. This amino acid position is conserved. In addition, in silico predictors for this gene do not accurately predict pathogenicity. Since supporting evidence is limited at this time, the clinical significance of this alteration remains unclear.

NM_000038.6(APC):c.6164G>T (p.Arg2055Ile)

Gene: APC (APC regulator of Wnt signaling pathway; plus strand). Cytogenetic location: 5q22.2.
Variant type: single nucleotide variant.
Coding change: c.6164G>T on transcript NM_000038.6 (MANE Select); coding-DNA position 6164, G replaced by T.
Protein change: p.Arg2055Ile; replaces arginine 2055 with isoleucine.
Molecular consequence: missense variant.
Genome position (GRCh38, 1-based): chr5:112,841,758, G>T. VCF-style: chr5-112841758-G-T. GRCh37 (hg19) VCF-style: chr5-112177455-G-T.
Other names: c.6164G>T, p.Arg2055Ile (NM_001127510.3, NM_001354895.2, NM_001407450.1); c.6110G>T, p.Arg2037Ile (NM_001127511.3); c.6218G>T, p.Arg2073Ile (NM_001354896.2, NM_001407447.1, NM_001407448.1 and 1 more transcripts); c.6194G>T, p.Arg2065Ile (NM_001354897.2); c.6089G>T, p.Arg2030Ile (NM_001354898.2); c.6080G>T, p.Arg2027Ile (NM_001354899.2); c.6041G>T, p.Arg2014Ile (NM_001354900.2); c.5987G>T, p.Arg1996Ile (NM_001354901.2, NM_001407453.1); and 11 more; short protein forms R1954I, R1964I, R1972I, R2014I, R2027I, R1772I, R1895I, R1926I.
Identifiers: ClinVar variation 1751968 (VCV001751968.2), dbSNP rs2149958627, ClinGen allele CA16034830.